The following is an entry in ClinVar:

NM_013328.4(PYCR2):c.633+1G>A

Gene: PYCR2 (pyrroline-5-carboxylate reductase 2; minus strand). Cytogenetic location: 1q42.12.
Variant type: single nucleotide variant.
Coding change: c.633+1G>A on transcript NM_013328.4 (MANE Select); the canonical splice donor site of the intron after coding-DNA position 633, G replaced by A.
Molecular consequence: splice donor variant.
Genome position (GRCh38, 1-based): chr1:225,921,551, C>T on the plus strand (G>A on the coding strand, the complement: PYCR2 is on the minus strand). VCF-style: chr1-225921551-C-T. GRCh37 (hg19) VCF-style: chr1-226109251-C-T.
Other names: c.411+1G>A (NM_001271681.2).
Identifiers: ClinVar variation 3731482 (VCV003731482.1).

ClinVar aggregate classification (germline): Likely pathogenic (1 of 4 stars; one submission).

Conditions:
Leukodystrophy, hypomyelinating, 10. Also called: PYCR2-related microcephaly-progressive leukoencephalopathy. Identifiers: Orphanet 481152, MedGen C4225332, MONDO:0014632, OMIM 616420.

Submission:

Neuberg Centre For Genomic Medicine, NCGM
Classification: Likely pathogenic for Leukodystrophy, hypomyelinating, 10. Last evaluated: 2023-06-22. Review status: criteria provided, single submitter. Criteria: ACMG Guidelines, 2015. Collection method: clinical testing. Allele origin: germline. Inheritance: Autosomal recessive inheritance. Affected: yes.
Comment: The invariant splice donor variant (c.633+1G>A) in PYCR2 gene has not been reported previously as a pathogenic variant nor as a benign variant, to our knowledge. The c.633+1G>A variant is absent in the gnomAD Exomes. This variant has not been submitted in the ClinVar database. SpliceAI predicts this variant to cause splice donor loss (0.88) and splice donor gain (0.14). Loss of function variants have been previously reported to be disease causing. For these reasons, this variant has been classified as Likely Pathogenic.